The following is an entry in ClinVar:

NM_000030.3(AGXT):c.826_827delinsGA (p.Leu276Glu)

Gene: AGXT (alanine--glyoxylate aminotransferase; plus strand). Cytogenetic location: 2q37.3.
Variant type: Indel.
Coding change: c.826_827delinsGA on transcript NM_000030.3 (MANE Select); coding-DNA positions 826 to 827, CT replaced by GA.
Protein change: p.Leu276Glu; replaces leucine 276 with glutamic acid.
Molecular consequence: missense variant.
Genome position (GRCh38, 1-based): chr2:240,875,984-240,875,985, CT replaced by GA. VCF-style: chr2-240875984-CT-GA. GRCh37 (hg19) VCF-style: chr2-241815401-CT-GA.
Other names: short protein forms L276E.
Identifiers: ClinVar variation 2681189 (VCV002681189.1), dbSNP rs2528758393, ClinGen allele CA2695197717.

ClinVar aggregate classification (germline): Likely pathogenic (1 of 4 stars; one submission).

Conditions:
Primary hyperoxaluria, type I (HP1). Also called: OXALOSIS I; Primary hyperoxaluria type 1; GLYCOLIC ACIDURIA; HEPATIC AGT DEFICIENCY. Identifiers: Orphanet 416, Orphanet 93598, MedGen C0268164, MONDO:0009823, OMIM 259900. Disease mechanism: loss of function.

Submission:

Clinical Biochemistry Laboratory, Health Services Laboratory
Classification: Likely pathogenic for Primary hyperoxaluria, type I. Last evaluated: 2023-10-27. Review status: criteria provided, single submitter. Criteria: ACMG Guidelines, 2015. Collection method: curation. Allele origin: germline. Affected: yes.
Comment: ACMG:PM2 PM3 PP3 PP4

Literature cited by the submitters: PubMed 35678848.